The following is an entry in ClinVar:

ClinVar aggregate classification (germline): Conflicting classifications of pathogenicity. Review status: criteria provided, conflicting classifications (1 of 4 stars). 3 submissions from 3 submitters: Uncertain significance (2); Likely benign (1). Last evaluated 2022-06-16.

Conditions:
Epileptic encephalopathy. Identifiers: MedGen C0543888, HP:0200134.
Developmental and epileptic encephalopathy, 59. Also called: Early infantile epileptic encephalopathy 59. Identifiers: MedGen C4693550, MONDO:0033368, OMIM 617904.

Allele frequency attached by ClinVar (database versions not stated): gnomAD exomes below 0.00001.
gnomAD v4.1: 4 of 1,479,022 alleles (0.00027%); highest among the groups gnomAD compares: South Asian, 0.0045%; no homozygotes.

Submissions (3):

Diagnostics Services (NGS), CSIR - Centre For Cellular And Molecular Biology
Classification: Uncertain significance for Developmental and epileptic encephalopathy, 59. Last evaluated: 2022-06-16. Review status: criteria provided, single submitter. Criteria: ACMG Guidelines, 2015. Collection method: clinical testing. Allele origin: unknown. Affected: yes. Observed: 1 variant allele, 1 heterozygote.
Comment: The c.2737A>G variant is not present in publicly available population databases like 1000 Genomes, Exome Variant Server (EVS) and Genome Aggregation Database (gnomAD). The heterozygous state of the variant is present in Indian Exome Database, at a low frequency. The variant is not present in our in-house exome database. The variant was not reported to ClinVar, Human Genome Mutation Database (HGMD) and/or OMIM databases in any affected individuals. Predictions from different in-silico pathogenicity prediction programs like SIFT, PolyPhen-2, MutationTaster2, CADD, Varsome etc. are contradictory

Labcorp Genetics (formerly Invitae), Labcorp
Classification: Likely benign for Epileptic encephalopathy. Last evaluated: 2019-11-08. Review status: criteria provided, single submitter. Criteria: Invitae Variant Classification Sherloc (09022015). Collection method: clinical testing. Allele origin: germline.

GeneDx
Classification: Uncertain significance. Last evaluated: 2019-04-15. Review status: criteria provided, single submitter. Criteria: GeneDx Variant Classification Process June 2021. Collection method: clinical testing. Allele origin: germline. Affected: yes.
Comment: Not observed in large population cohorts (Lek et al., 2016); In silico analysis, which includes protein predictors and evolutionary conservation, supports that this variant does not alter protein structure/function; Has not been previously published as pathogenic or benign to our knowledge

NM_005458.8(GABBR2):c.2737A>G (p.Ser913Gly)

Gene: GABBR2 (gamma-aminobutyric acid type B receptor subunit 2; minus strand). Cytogenetic location: 9q22.33.
Variant type: single nucleotide variant.
Coding change: c.2737A>G on transcript NM_005458.8 (MANE Select); coding-DNA position 2737, A replaced by G.
Protein change: p.Ser913Gly; replaces serine 913 with glycine.
Molecular consequence: missense variant.
Genome position (GRCh38, 1-based): chr9:98,290,673, T>C on the plus strand (A>G on the coding strand, the complement: GABBR2 is on the minus strand). VCF-style: chr9-98290673-T-C. GRCh37 (hg19) VCF-style: chr9-101052955-T-C.
Other names: short protein forms S913G.
Identifiers: ClinVar variation 833649 (VCV000833649.8), dbSNP rs1830289381, ClinGen allele CA374209574.